The following is an entry in ClinVar:

NM_031935.3(HMCN1):c.2945C>A (p.Thr982Asn)

Gene: HMCN1 (hemicentin 1; plus strand). Cytogenetic location: 1q31.1.
Variant type: single nucleotide variant.
Coding change: c.2945C>A on transcript NM_031935.3 (MANE Select); coding-DNA position 2945, C replaced by A.
Protein change: p.Thr982Asn; replaces threonine 982 with asparagine.
Molecular consequence: missense variant.
Genome position (GRCh38, 1-based): chr1:185,987,441, C>A. VCF-style: chr1-185987441-C-A. GRCh37 (hg19) VCF-style: chr1-185956573-C-A.
Other names: short protein forms T982N.
Identifiers: ClinVar variation 2119152 (VCV002119152.6), dbSNP rs2527380390, ClinGen allele CA343890213.
Genomic context (GRCh38, chr1:185,987,441, plus strand): 5'-TTTAAATGGAAGAACAGGTGCTCAGATTCCAAATCCTACTTACCTTTTCAGTTCTGCCAA[C>A]CATTCAGCATGGGCAGCAGATACTCAGTACAATTGAAGGCATTCCAGTAACTTTACCATG-3'
Protein context (NP_114141.2, residues 972-992): TTSVVVHVLP[Thr982Asn]IQHGQQILST

ClinVar aggregate classification (germline): Uncertain significance. Review status: criteria provided, multiple submitters, no conflicts (2 of 4 stars). 2 submissions from 2 submitters: Uncertain significance (2). Last evaluated 2026-04-09.

Allele frequency attached by ClinVar (database versions not stated): gnomAD exomes below 0.00001.
gnomAD v4.1: 1 of 1,610,516 alleles (0.000062%); highest among the groups gnomAD compares: Non-Finnish European, 0.000085%; no homozygotes.

Submissions (2):

Dasa
Classification: Uncertain significance. Last evaluated: 2026-04-09. Review status: criteria provided, single submitter. Criteria: DASA Assertion Criteria. Collection method: clinical testing. Allele origin: germline.
Comment: NM_031935.3(HMCN1):c.2945C>A (p.Thr982Asn) is a missense variant that results in the substitution of threonine with asparagine. This variant is rare in population databases. Computational prediction algorithms are consistent with a benign effect. The currently available literature and clinical evidence are not sufficient to establish a definitive association between this variant and the reported condition. Therefore, this variant is classified as a variant of uncertain significance.

Labcorp Genetics (formerly Invitae), Labcorp
Classification: Uncertain significance. Last evaluated: 2022-07-23. Review status: criteria provided, single submitter. Criteria: Invitae Variant Classification Sherloc (09022015). Collection method: clinical testing. Allele origin: germline.
Comment: In summary, the available evidence is currently insufficient to determine the role of this variant in disease. Therefore, it has been classified as a Variant of Uncertain Significance. Algorithms developed to predict the effect of missense changes on protein structure and function are either unavailable or do not agree on the potential impact of this missense change (SIFT: "Deleterious"; PolyPhen-2: "Probably Damaging"; Align-GVGD: "Class C0"). This variant has not been reported in the literature in individuals affected with HMCN1-related conditions. This variant is not present in population databases (gnomAD no frequency). This sequence change replaces threonine, which is neutral and polar, with asparagine, which is neutral and polar, at codon 982 of the HMCN1 protein (p.Thr982Asn).